The following is an entry in ClinVar:

ClinVar aggregate classification (germline): Uncertain significance. Review status: criteria provided, multiple submitters, no conflicts (2 of 4 stars). 3 submissions from 3 submitters: Uncertain significance (3). Last evaluated 2024-12-04.

Conditions:
Bardet-Biedl syndrome (BBS). Identifiers: Orphanet 110, MedGen C0752166, MONDO:0015229.

Submissions (3):

GeneDx
Classification: Uncertain significance. Last evaluated: 2024-12-04. Review status: criteria provided, single submitter. Criteria: GeneDx Variant Classification Process June 2021. Collection method: clinical testing. Allele origin: germline. Affected: yes.
Comment: Not observed at significant frequency in large population cohorts (gnomAD); In silico analysis supports that this missense variant has a deleterious effect on protein structure/function; Has not been previously published as pathogenic or benign to our knowledge

Labcorp Genetics (formerly Invitae), Labcorp
Classification: Uncertain significance for Bardet-Biedl syndrome. Last evaluated: 2024-07-14. Review status: criteria provided, single submitter. Criteria: Invitae Variant Classification Sherloc (09022015). Collection method: clinical testing. Allele origin: germline.
Comment: This sequence change replaces isoleucine, which is neutral and non-polar, with threonine, which is neutral and polar, at codon 88 of the BBS10 protein (p.Ile88Thr). This variant is not present in population databases (gnomAD no frequency). This missense change has been observed in individual(s) with Bardet-Biedl syndrome (Invitae). ClinVar contains an entry for this variant (Variation ID: 2582096). Advanced modeling of protein sequence and biophysical properties (such as structural, functional, and spatial information, amino acid conservation, physicochemical variation, residue mobility, and thermodynamic stability) performed at Invitae indicates that this missense variant is expected to disrupt BBS10 protein function with a positive predictive value of 80%. In summary, the available evidence is currently insufficient to determine the role of this variant in disease. Therefore, it has been classified as a Variant of Uncertain Significance.

Blueprint Genetics
Classification: Uncertain significance. Last evaluated: 2019-09-23. Review status: criteria provided, single submitter. Criteria: ACMG Guidelines, 2015. Collection method: clinical testing. Allele origin: germline.

NM_024685.4(BBS10):c.263T>C (p.Ile88Thr)

Gene: BBS10 (Bardet-Biedl syndrome 10; minus strand). Cytogenetic location: 12q21.2.
Variant type: single nucleotide variant.
Coding change: c.263T>C on transcript NM_024685.4 (MANE Select); coding-DNA position 263, T replaced by C.
Protein change: p.Ile88Thr; replaces isoleucine 88 with threonine.
Molecular consequence: missense variant.
Genome position (GRCh38, 1-based): chr12:76,347,722, A>G on the plus strand (T>C on the coding strand, the complement: BBS10 is on the minus strand). VCF-style: chr12-76347722-A-G. GRCh37 (hg19) VCF-style: chr12-76741502-A-G.
Other names: short protein forms I88T.
Identifiers: ClinVar variation 2582096 (VCV002582096.5), dbSNP rs2540957248, ClinGen allele CA385815888.